The following is an entry in ClinVar:

ClinVar aggregate classification (germline): Uncertain significance (1 of 4 stars; one submission).

Conditions:
Hereditary cancer-predisposing syndrome. Also called: Tumor predisposition; Hereditary neoplastic syndrome; Neoplastic Syndromes, Hereditary; Hereditary Cancer Syndrome. Identifiers: Orphanet 140162, MedGen C0027672, MeSH D009386, MONDO:0015356.

Submission:

Ambry Genetics
Classification: Uncertain significance for Hereditary cancer-predisposing syndrome. Last evaluated: 2025-05-10. Review status: criteria provided, single submitter. Criteria: Ambry Variant Classification Scheme 2023. Collection method: clinical testing. Allele origin: germline.
Comment: The p.A1327E variant (also known as c.3980C>A), located in coding exon 20 of the BLM gene, results from a C to A substitution at nucleotide position 3980. The alanine at codon 1327 is replaced by glutamic acid, an amino acid with dissimilar properties. This amino acid position is conserved. In addition, this alteration is predicted to be tolerated by in silico analysis. Based on the available evidence, the clinical significance of this variant remains unclear.

NM_000057.4(BLM):c.3980C>A (p.Ala1327Glu)

Gene: BLM (BLM RecQ like helicase; plus strand). Cytogenetic location: 15q26.1.
Variant type: single nucleotide variant.
Coding change: c.3980C>A on transcript NM_000057.4 (MANE Select); coding-DNA position 3980, C replaced by A.
Protein change: p.Ala1327Glu; replaces alanine 1327 with glutamic acid.
Molecular consequence: missense variant.
Genome position (GRCh38, 1-based): chr15:90,811,310, C>A. VCF-style: chr15-90811310-C-A. GRCh37 (hg19) VCF-style: chr15-91354540-C-A.
Other names: c.3980C>A, p.Ala1327Glu (NM_001287246.2); c.3587C>A, p.Ala1196Glu (NM_001287247.2); c.2855C>A, p.Ala952Glu (NM_001287248.2); short protein forms A952E, A1196E, A1327E.
Identifiers: ClinVar variation 3991665 (VCV003991665.1).